The following is an entry in ClinVar:

NM_138383.3(MTSS2):c.536A>G (p.Glu179Gly)

Gene: MTSS2 (MTSS I-BAR domain containing 2; minus strand). Cytogenetic location: 16q22.1.
Variant type: single nucleotide variant.
Coding change: c.536A>G on transcript NM_138383.3 (MANE Select); coding-DNA position 536, A replaced by G.
Protein change: p.Glu179Gly; replaces glutamic acid 179 with glycine.
Molecular consequence: missense variant.
Genome position (GRCh38, 1-based): chr16:70,678,340, T>C on the plus strand (A>G on the coding strand, the complement: MTSS2 is on the minus strand). VCF-style: chr16-70678340-T-C. GRCh37 (hg19) VCF-style: chr16-70712243-T-C.
Other names: short protein forms E179G.
Identifiers: ClinVar variation 2662774 (VCV002662774.2), dbSNP rs1260168371, ClinGen allele CA396605681.

ClinVar aggregate classification (germline): Uncertain significance (1 of 4 stars; one submission).

Submission:

GeneDx
Classification: Uncertain significance. Last evaluated: 2026-05-26. Review status: criteria provided, single submitter. Criteria: GeneDx Variant Classification Process June 2021. Collection method: clinical testing. Allele origin: germline.
Comment: Not observed at significant frequency in large population cohorts (gnomAD); In silico analysis supports that this missense variant has a deleterious effect on protein structure/function; Has not been previously published as pathogenic or benign to our knowledge